The following is an entry in ClinVar:

ClinVar aggregate classification (germline): Likely benign (1 of 4 stars; one submission).

gnomAD v4.1: 15 of 1,585,744 alleles (0.00095%); highest among the groups gnomAD compares: Middle Eastern, 0.085%; 1 homozygote.

Submission:

CeGaT Center for Human Genetics Tuebingen
Classification: Likely benign. Last evaluated: 2026-05-01. Review status: criteria provided, single submitter. Criteria: CeGaT Center For Human Genetics Tuebingen Variant Classification Criteria Version 2. Collection method: clinical testing. Allele origin: germline. Affected: yes. Observed: 1 variant allele.
Comment: ZNF678: BP4, BP7

NM_001367909.1(ZNF678):c.468C>T (p.Asp156=)

Gene: ZNF678 (zinc finger protein 678; plus strand). Cytogenetic location: 1q42.13.
Variant type: single nucleotide variant.
Coding change: c.468C>T on transcript NM_001367909.1 (MANE Select); coding-DNA position 468, C replaced by T.
Protein change: p.Asp156=; no amino-acid change (aspartic acid 156 retained).
Molecular consequence: synonymous variant.
Genome position (GRCh38, 1-based): chr1:227,654,718, C>T. VCF-style: chr1-227654718-C-T. GRCh37 (hg19) VCF-style: chr1-227842419-C-T.
Other names: c.468C>T, p.Asp156= (NM_001367910.1); c.540C>T, p.Asp180= (NM_001367911.1); c.633C>T, p.Asp211= (NM_178549.4).
Identifiers: ClinVar variation 4871941 (VCV004871941.2).